The following is an entry in ClinVar:

ClinVar aggregate classification (germline): Uncertain significance (1 of 4 stars; one submission).

Conditions:
Oligodontia-cancer predisposition syndrome. Also called: TOOTH AGENESIS-COLORECTAL CANCER SYNDROME. Identifiers: Orphanet 300576, MedGen C1837750, MONDO:0012075, OMIM 608615. Disease mechanism: loss of function.

Submission:

Labcorp Genetics (formerly Invitae), Labcorp
Classification: Uncertain significance for Oligodontia-cancer predisposition syndrome. Last evaluated: 2021-02-12. Review status: criteria provided, single submitter. Criteria: Invitae Variant Classification Sherloc (09022015). Collection method: clinical testing. Allele origin: germline.
Comment: This sequence change replaces phenylalanine with leucine at codon 737 of the AXIN2 protein (p.Phe737Leu). The phenylalanine residue is moderately conserved and there is a small physicochemical difference between phenylalanine and leucine. This variant is not present in population databases (ExAC no frequency). This variant has not been reported in the literature in individuals with AXIN2-related conditions. Algorithms developed to predict the effect of missense changes on protein structure and function (SIFT, PolyPhen-2, Align-GVGD) all suggest that this variant is likely to be tolerated, but these predictions have not been confirmed by published functional studies and their clinical significance is uncertain. In summary, the available evidence is currently insufficient to determine the role of this variant in disease. Therefore, it has been classified as a Variant of Uncertain Significance.

NM_004655.4(AXIN2):c.2211C>G (p.Phe737Leu)

Gene: AXIN2 (axin 2; minus strand). Cytogenetic location: 17q24.1.
Variant type: single nucleotide variant.
Coding change: c.2211C>G on transcript NM_004655.4 (MANE Select); coding-DNA position 2211, C replaced by G.
Protein change: p.Phe737Leu; replaces phenylalanine 737 with leucine.
Molecular consequence: missense variant.
Genome position (GRCh38, 1-based): chr17:65,535,652, G>C on the plus strand (C>G on the coding strand, the complement: AXIN2 is on the minus strand). VCF-style: chr17-65535652-G-C. GRCh37 (hg19) VCF-style: chr17-63531770-G-C.
Other names: c.2016C>G, p.Phe672Leu (NM_001363813.1); short protein forms F737L, F672L.
Identifiers: ClinVar variation 1369538 (VCV001369538.8), dbSNP rs2144432700, ClinGen allele CA400675745.